The following is an entry in ClinVar:

NM_025114.4(CEP290):c.1474A>T (p.Lys492Ter)

Gene: CEP290 (centrosomal protein 290; minus strand). Cytogenetic location: 12q21.32.
Variant type: single nucleotide variant.
Coding change: c.1474A>T on transcript NM_025114.4 (MANE Select); coding-DNA position 1474, A replaced by T.
Protein change: p.Lys492Ter; replaces lysine 492 with a stop codon.
Molecular consequence: nonsense.
Genome position (GRCh38, 1-based): chr12:88,120,162, T>A on the plus strand (A>T on the coding strand, the complement: CEP290 is on the minus strand). VCF-style: chr12-88120162-T-A. GRCh37 (hg19) VCF-style: chr12-88513939-T-A.
Other names: short protein forms K492*.
Identifiers: ClinVar variation 461774 (VCV000461774.9), dbSNP rs1278679056, ClinGen allele CA385979851.

ClinVar aggregate classification (germline): Pathogenic. Review status: criteria provided, multiple submitters, no conflicts (2 of 4 stars). 3 submissions from 3 submitters: Pathogenic (3). Last evaluated 2025-09-09.

Conditions:
CEP290-related ciliopathy. Also called: CEP290 ciliopathy. Identifiers: MedGen CN305601, MONDO:0100451.
CEP290-related disorder. Also called: CEP290-related condition; CEP290-related disorders. Identifiers: MedGen CN239314.
Joubert syndrome. Also called: JOUBERT-BOLTSHAUSER SYNDROME; Familial aplasia of the vermis. Identifiers: Orphanet 475, MedGen C5979921, MONDO:0018772.
Meckel-Gruber syndrome. Also called: DYSENCEPHALIA SPLANCHNOCYSTICA; GRUBER SYNDROME; Dysencephalia splachnocystica. Identifiers: Orphanet 564, MedGen C0265215, MONDO:0018921.
Nephronophthisis. Also called: Juvenile Nephronophthisis. Identifiers: Orphanet 655, MedGen C0687120, MONDO:0019005, HP:0000090.

Allele frequency attached by ClinVar (database versions not stated): TOPMed 0.00001; gnomAD 0.00001; gnomAD exomes below 0.00001.
gnomAD v4.1: 2 of 1,540,382 alleles (0.00013%); highest among the groups gnomAD compares: African/African-American, 0.0027%; no homozygotes.

Submissions (3):

PreventionGenetics, part of Exact Sciences
Classification: Pathogenic for CEP290-related condition. Last evaluated: 2025-09-09. Review status: criteria provided, single submitter. Criteria: ACMG Guidelines, 2015. Collection method: clinical testing. Allele origin: germline.
Comment: The CEP290 c.1474A>T variant is predicted to result in premature protein termination (p.Lys492*). To our knowledge, this variant has not been reported in the literature or in a large population database (gnomAD), indicating this variant is rare. Nonsense variants in CEP290 are expected to be pathogenic. This variant is interpreted as pathogenic.

Myriad Genetics, Inc.
Classification: Pathogenic for CEP290-related ciliopathy. Last evaluated: 2025-05-11. Review status: criteria provided, single submitter. Criteria: Myriad Autosomal Dominant, Autosomal Recessive and X-Linked Classification Criteria (2023). Collection method: clinical testing. Allele origin: unknown.
Comment: NM_025114.3(CEP290):c.1474A>T(K492*) is expected to be pathogenic in the context of CEP290-related disorders. This variant is predicted to lead to an abnormal or absent protein product due to the creation of a premature termination codon in CEP290, a gene where loss-of-function variants are known to be pathogenic. Please note: this variant was assessed in the context of healthy population screening.

Labcorp Genetics (formerly Invitae), Labcorp
Classification: Pathogenic for Joubert syndrome; Meckel-Gruber syndrome; Nephronophthisis. Last evaluated: 2022-03-29. Review status: criteria provided, single submitter. Criteria: Invitae Variant Classification Sherloc (09022015). Collection method: clinical testing. Allele origin: germline.
Comment: ClinVar contains an entry for this variant (Variation ID: 461774). For these reasons, this variant has been classified as Pathogenic. Algorithms developed to predict the effect of sequence changes on RNA splicing suggest that this variant may disrupt the consensus splice site. This variant has not been reported in the literature in individuals affected with CEP290-related conditions. This variant is not present in population databases (gnomAD no frequency). This sequence change creates a premature translational stop signal (p.Lys492*) in the CEP290 gene. It is expected to result in an absent or disrupted protein product. Loss-of-function variants in CEP290 are known to be pathogenic (PMID: 16909394, 17345604, 20690115).

Literature cited by the submitters: PubMed 16909394 (cited by Labcorp Genetics (formerly Invitae), Labcorp); PubMed 17345604 (cited by Labcorp Genetics (formerly Invitae), Labcorp); PubMed 20690115 (cited by Labcorp Genetics (formerly Invitae), Labcorp).